The following is an entry in ClinVar:

ClinVar aggregate classification (germline): Pathogenic (1 of 4 stars; one submission).

Conditions:
LAMA2-related muscular dystrophy (LAMA2-RD). Also called: Laminin alpha 2-related dystrophy. Identifiers: MedGen C5679788, MONDO:0100228.

Submission:

Labcorp Genetics (formerly Invitae), Labcorp
Classification: Pathogenic for LAMA2-related muscular dystrophy. Last evaluated: 2023-08-14. Review status: criteria provided, single submitter. Criteria: Invitae Variant Classification Sherloc (09022015). Collection method: clinical testing. Allele origin: germline.
Comment: ClinVar contains an entry for this variant (Variation ID: 937793). This sequence change creates a premature translational stop signal (p.Trp109*) in the LAMA2 gene. It is expected to result in an absent or disrupted protein product. Loss-of-function variants in LAMA2 are known to be pathogenic (PMID: 18700894, 32904964). This variant is not present in population databases (gnomAD no frequency). This premature translational stop signal has been observed in individual(s) with clinical features of LAMA2-related conditions (PMID: 21520333). For these reasons, this variant has been classified as Pathogenic.

Literature cited by the submitters: PubMed 18700894; PubMed 32904964; PubMed 21520333.

NM_000426.4(LAMA2):c.327G>A (p.Trp109Ter)

Gene: LAMA2 (laminin subunit alpha 2; plus strand). Cytogenetic location: 6q22.33.
Variant type: single nucleotide variant.
Coding change: c.327G>A on transcript NM_000426.4 (MANE Select); coding-DNA position 327, G replaced by A.
Protein change: p.Trp109Ter; replaces tryptophan 109 with a stop codon.
Molecular consequence: nonsense.
Genome position (GRCh38, 1-based): chr6:129,059,827, G>A. VCF-style: chr6-129059827-G-A. GRCh37 (hg19) VCF-style: chr6-129380972-G-A.
Other names: c.327G>A, p.Trp109Ter (NM_001079823.2); short protein forms W109*.
Identifiers: ClinVar variation 937793 (VCV000937793.10), dbSNP rs1788769048, ClinGen allele CA365828864.
Genomic context (GRCh38, chr6:129,059,827, plus strand): 5'-TGCTGCTAACTCAATAGAGAGACACCCGATTACAAATGCTATTGATGGAAAGAACACTTG[G>A]TGGCAGAGTCCCAGTATTAAGAATGGAATCGAATACCATTATGTGACAATTACCCTGGAT-3'